The following is an entry in ClinVar:

ClinVar aggregate classification (germline): Likely benign. Review status: criteria provided, multiple submitters, no conflicts (2 of 4 stars). 6 submissions from 6 submitters: Likely benign (5). 1 of the submissions does not count toward it. Last evaluated 2026-08-01.

Conditions:
PKD1L1-related disorder. Also called: PKD1L1-related condition.
Heterotaxy, visceral, 8, autosomal (HTX8). Identifiers: MedGen C4310668, MONDO:0014967, OMIM 617205.

Allele frequency attached by ClinVar (database versions not stated): 1000 Genomes Project 30x 0.00016; 1000 Genomes Project 0.00020; TOPMed 0.00079; gnomAD 0.00080 and 0.00085; ESP Exome Variant Server 0.00092; gnomAD exomes 0.00102 and 0.00127; ExAC 0.00153.
gnomAD v4.1: 1,974 of 1,596,836 alleles (0.12%); highest among the groups gnomAD compares: South Asian, 0.25%; 3 homozygotes.

Submissions (6):

CeGaT Center for Human Genetics Tuebingen
Classification: Likely benign. Last evaluated: 2026-08-01. Review status: criteria provided, single submitter. Criteria: CeGaT Center For Human Genetics Tuebingen Variant Classification Criteria Version 2. Collection method: clinical testing. Allele origin: germline. Affected: yes. Observed: 1 variant allele.
Comment: PKD1L1: BP4

Labcorp Genetics (formerly Invitae), Labcorp
Classification: Likely benign. Last evaluated: 2025-12-02. Review status: criteria provided, single submitter. Criteria: Invitae Variant Classification Sherloc (09022015). Collection method: clinical testing. Allele origin: germline.

Blueprint Genetics
Classification: Likely benign. Last evaluated: 2024-11-18. Review status: criteria provided, single submitter. Criteria: ACMG Guidelines, 2015. Collection method: clinical testing. Allele origin: germline.

Women's Health and Genetics/Laboratory Corporation of America, LabCorp
Classification: Likely benign. Last evaluated: 2024-04-26. Review status: criteria provided, single submitter. Criteria: LabCorp Variant Classification Summary - May 2015. Collection method: clinical testing. Allele origin: germline.
Comment: Variant summary: PKD1L1 c.7418C>T (p.Ser2473Phe) results in a non-conservative amino acid change located in the Polycystin domain (IPR046791) of the encoded protein sequence. Three of five in-silico tools predict a benign effect of the variant on protein function. The variant allele was found at a frequency of 0.001 in 219174 control chromosomes, predominantly at a frequency of 0.0028 within the South Asian subpopulation in the gnomAD database, including 1 homozygotes, strongly suggesting that the variant is a benign polymorphism found primarily in populations of South Asian origin. c.7418C>T has been reported in the literature in individuals affected with Biliary Atresia Splenic Malformation Syndrome, without strong evidence for causality (Berauer_2019). These report(s) do not provide unequivocal conclusions about association of the variant with Heterotaxy, Visceral, 8, Autosomal. To our knowledge, no experimental evidence demonstrating an impact on protein function has been reported. The following publication have been ascertained in the context of this evaluation (PMID: 30664273). ClinVar contains an entry for this variant (Variation ID: 1048779). Based on the evidence outlined above, the variant was classified as likely benign.

Johns Hopkins Genomics, Johns Hopkins University
Classification: Likely benign for Heterotaxy, visceral, 8, autosomal. Last evaluated: 2021-02-05. Review status: criteria provided, single submitter. Criteria: ACMG Guidelines, 2015. Collection method: clinical testing. Allele origin: germline.

PreventionGenetics, part of Exact Sciences
Classification: Likely benign for PKD1L1-related condition. Last evaluated: 2022-07-03. Review status: no assertion criteria provided. Collection method: clinical testing. Allele origin: germline. Not counted in ClinVar's aggregate classification.
Comment: This variant is classified as likely benign based on ACMG/AMP sequence variant interpretation guidelines (Richards et al. 2015 PMID: 25741868, with internal and published modifications).

Literature cited by the submitters: PubMed 30664273 (cited by Women's Health and Genetics/Laboratory Corporation of America, LabCorp and Johns Hopkins Genomics, Johns Hopkins University); PubMed 27616478 (cited by Johns Hopkins Genomics, Johns Hopkins University); PubMed 31026592 (cited by Johns Hopkins Genomics, Johns Hopkins University); PubMed 32111882 (cited by Johns Hopkins Genomics, Johns Hopkins University).

NM_138295.5(PKD1L1):c.7418C>T (p.Ser2473Phe)

Genes: PKD1L1 (polycystin 1 like 1, transient receptor potential channel interacting; minus strand), PKD1L1-AS1 (PKD1L1 antisense RNA 1; plus strand). Cytogenetic location: 7p12.3.
Variant type: single nucleotide variant.
Coding change: c.7418C>T on transcript NM_138295.5 (MANE Select); coding-DNA position 7418, C replaced by T.
Protein change: p.Ser2473Phe; replaces serine 2473 with phenylalanine.
Molecular consequence: missense variant.
Genome position (GRCh38, 1-based): chr7:47,811,980, G>A on the plus strand (C>T on the coding strand, the complement: PKD1L1 is on the minus strand). VCF-style: chr7-47811980-G-A. GRCh37 (hg19) VCF-style: chr7-47851578-G-A.
Other names: c.7418C>T (NM_138295.3); short protein forms S2473F.
Identifiers: ClinVar variation 1048779 (VCV001048779.11), dbSNP rs140456142, ClinGen allele CA4252024.